The following is an entry in ClinVar:

ClinVar aggregate classification (germline): Uncertain significance (1 of 4 stars; one submission).

Submission:

Labcorp Genetics (formerly Invitae), Labcorp
Classification: Uncertain significance. Last evaluated: 2021-05-18. Review status: criteria provided, single submitter. Criteria: Invitae Variant Classification Sherloc (09022015). Collection method: clinical testing. Allele origin: germline.
Comment: In summary, the available evidence is currently insufficient to determine the role of this variant in disease. Therefore, it has been classified as a Variant of Uncertain Significance. Algorithms developed to predict the effect of missense changes on protein structure and function are either unavailable or do not agree on the potential impact of this missense change (SIFT: "Tolerated"; PolyPhen-2: "Probably Damaging"; Align-GVGD: "Class C0"). This variant has not been reported in the literature in individuals with MMP9-related conditions. The frequency data for this variant in the population databases is considered unreliable, as metrics indicate insufficient coverage at this position in the ExAC database. This sequence change replaces lysine with glutamic acid at codon 603 of the MMP9 protein (p.Lys603Glu). The lysine residue is moderately conserved and there is a small physicochemical difference between lysine and glutamic acid.

NM_004994.3(MMP9):c.1807A>G (p.Lys603Glu)

Genes: MMP9 (matrix metallopeptidase 9; plus strand), SLC12A5-AS1 (SLC12A5 and MMP9 antisense RNA 1; minus strand). Cytogenetic location: 20q13.12.
Variant type: single nucleotide variant.
Coding change: c.1807A>G on transcript NM_004994.3 (MANE Select); coding-DNA position 1807, A replaced by G.
Protein change: p.Lys603Glu; replaces lysine 603 with glutamic acid.
Molecular consequence: missense variant. On other transcripts: non-coding transcript variant (1).
Genome position (GRCh38, 1-based): chr20:46,014,180, A>G. VCF-style: chr20-46014180-A-G. GRCh37 (hg19) VCF-style: chr20-44642819-A-G.
Other names: short protein forms K603E.
Identifiers: ClinVar variation 1354708 (VCV001354708.8), dbSNP rs2145456441, ClinGen allele CA409224489.
Genomic context (GRCh38, chr20:46,014,180, plus strand): 5'-GCAGGGCGCCAGGTGTGGGTGTACACAGGCGCGTCGGTGCTGGGCCCGAGGCGTCTGGAC[A>G]AGCTGGGCCTGGGAGCCGACGTGGCCCAGGTGACCGGGGCCCTCCGGAGTGGCAGGGGGA-3'
Protein context (NP_004985.2, residues 593-613): ASVLGPRRLD[Lys603Glu]LGLGADVAQV